The following is an entry in ClinVar:

ClinVar aggregate classification (germline): Likely pathogenic. Review status: reviewed by expert panel (3 of 4 stars). 8 submissions from 8 submitters: Likely pathogenic (1). 7 of the submissions do not count toward it. Last evaluated 2026-05-21.

Conditions:
Ornithine carbamoyltransferase deficiency (OTCD). Also called: Ornithine Carbamoyltransferase Deficiency Disease; ORNITHINE TRANSCARBAMYLASE DEFICIENCY; ORNITHINE TRANSCARBAMYLASE DEFICIENCY, HYPERAMMONEMIA DUE TO; OTC DEFICIENCY. Identifiers: Orphanet 664, MedGen C0268542, MONDO:0010703, OMIM 311250.
OTC-related disorder. Also called: OTC-related condition.

Allele frequency attached by ClinVar (database versions not stated): gnomAD 0.00001; 1000 Genomes Project 30x 0.00021; 1000 Genomes Project 0.00026.
gnomAD v4.1: 2 of 595,258 alleles (0.00034%); highest among the groups gnomAD compares: Non-Finnish European, 0.00057%; no homozygotes.

Submissions (8):

Clingen Urea Cycle Disorders Variant Curation Expert Panel, ClinGen
Classification: Likely pathogenic for Ornithine carbamoyltransferase deficiency. Last evaluated: 2026-05-21. Review status: reviewed by expert panel. Criteria: ClinGen UreaCycles ACMG Specifications OTC V1.0. Collection method: curation. Allele origin: germline. Inheritance: X-linked inheritance.
Comment: The NC_000023.11:g.38352591C>A variant in OTC is located in the 5'UTR (c.-106C>A), a non-coding region of the OTC gene. The Grpmax Filtered allele frequency in gnomAD v4.1.0 is 9.500e-7 which is lower than the ClinGen UCD VCEP’s threshold for PM2_Supporting (<0.000015) and there is 1 hemizygote across all populations, meeting this criterion (PM2_Supporting). This variant has been reported in 6 additional probands with biochemical evidence OTC deficiency (PS4_Strong; PMIDs: 35822098, 29282796, and 35605046). In summary, this variant meets the criteria to be classified as likely pathogenic for OTC deficiency based on the ACMG/AMP criteria applied, as specified by the ClinGen Urea Cycle Disorders Variant Curation Expert Panel (OTC specifications version 1.0.0): PP4_Moderate, PM2_Supporting, and PS4_Strong.

Women's Health and Genetics/Laboratory Corporation of America, LabCorp
Classification: Pathogenic for Ornithine carbamoyltransferase deficiency. Last evaluated: 2026-06-18. Review status: criteria provided, single submitter. Criteria: LabCorp Variant Classification Summary - May 2015. Collection method: clinical testing. Allele origin: germline. Not counted in ClinVar's aggregate classification.
Comment: Variant summary: OTC c.-106C>A is located in the untranscribed region upstream of the OTC gene region. The variant was absent in 21864 control chromosomes. c.-106C>A has been observed in multiple hemizygous individuals affected with Ornithine Transcarbamylase Deficiency (e.g. Tholl_2026, Jang_2018). These data indicate that the variant is very likely to be associated with disease. At least two publications report experimental evidence evaluating an impact on protein function, showing reduced promoter activity leading to reduced OTC expression in hepatic cell lines (Han_2022, Jang_2018). The following publications have been ascertained in the context of this evaluation (PMID: 35605046, 29282796, 41550690). ClinVar contains an entry for this variant (Variation ID: 487338). Based on the evidence outlined above, the variant was classified as pathogenic.

Labcorp Genetics (formerly Invitae), Labcorp
Classification: Pathogenic for Ornithine carbamoyltransferase deficiency. Last evaluated: 2025-08-25. Review status: criteria provided, single submitter. Criteria: Invitae Variant Classification Sherloc (09022015). Collection method: clinical testing. Allele origin: germline. Not counted in ClinVar's aggregate classification.
Comment: This variant occurs in a non-coding region of the OTC gene. It does not change the encoded amino acid sequence of the OTC protein. The frequency data for this variant in the population databases is considered unreliable, as metrics indicate insufficient coverage at this position in the gnomAD database. This variant has been observed in individual(s) with ornithine transcarbamylase deficiency (PMID: 29282796, 35605046; internal data). It has also been observed to segregate with disease in related individuals. ClinVar contains an entry for this variant (Variation ID: 487338). Algorithms developed to predict the effect of variants on gene product structure and function are not available or were not evaluated for this variant. Experimental studies have shown that this variant affects OTC function (PMID: 29282796, 35605046). For these reasons, this variant has been classified as Pathogenic.

GeneDx
Classification: Pathogenic. Last evaluated: 2025-03-06. Review status: criteria provided, single submitter. Criteria: GeneDx Variant Classification Process June 2021. Collection method: clinical testing. Allele origin: germline. Not counted in ClinVar's aggregate classification.
Comment: Observed in hemizygous state in two individuals with late onset OTC deficiency; Published functional studies demonstrate a damaging effect as the variant was shown to reduce promoter activity to approximately 10% or 27% of wildtype in absence or presence of enhancer; authors concluded that the mild effect of this variant was the reason for the late onset and incomplete penetrance (PMID: 35605046); No data available from control populations to assess the frequency of this variant; Nucleotide substitution has no predicted effect on splicing and is not conserved across species; This variant is associated with the following publications: (PMID: 35605046, Sonier[article]2022, 35822098, 35734906, 29282796)

ARUP Laboratories, Molecular Genetics and Genomics, ARUP Laboratories
Classification: Pathogenic. Last evaluated: 2024-05-14. Review status: criteria provided, single submitter. Criteria: ARUP Molecular Germline Variant Investigation Process 2024. Collection method: clinical testing. Allele origin: germline. Not counted in ClinVar's aggregate classification.
Comment: The OTC c.-106C>A variant (rs749748052; ClinVar Variation ID: 487338) occurs at a moderately conserved nucleotide located in the 5' untranslated region of the OTC gene and is localized in a HNF4a transcription factor binding site (Luksan 2014). In vitro transfection of reporter constructs harboring c.-106C>A into liver-derived cell lines demonstrate mild to moderate reduction in OTC expression (Han 2022, Jang 2018). This variant is reported in a single female individual in the 1000 Genomes Project (1/3775 alleles) but is absent from the Genome Aggregation Database, indicating it is not a common polymorphism. It has been described in multiple males affected with late-onset OTC deficiency and in several heterozygotes with positive allopurinol test results (Finkelstein 1990, Jang 2018, Hertzog 2022, Han 2022). In testing performed both in published studies and at ARUP Laboratories, this variant has been identified in multiple hemizygotes from a large, multigenerational kindred separated by many meioses (Finkelstein 1990, Jang 2018). Although this variant has also been observed in multiple asymptomatic male relatives (Jang 2018; ARUP Laboratories), since c.-106C>A is located in a regulatory site, it is likely that hemizygotes are less susceptible to stressors precipitating a hyperammonemic crisis than patients harboring pathogenic coding sequence variants. Based on available information, this variant is considered to be pathogenic for late onset OTC with incomplete penetrance. References: Finkelstein JE et al. Late-onset ornithine transcarbamylase deficiency in male patients. J Pediatr. 1990 Dec;117(6):897-902. PMID: 2246687. Han ST et al. A promoter variant in the OTC gene associated with late and variable age of onset hyperammonemia. J Inherit Metab Dis. 2022 Jul;45(4):710-718. PMID: 35605046. Hertzog A et al. A serendipitous journey to a promoter variant: The c.-106C>A variant and its role in late-onset ornithine transcarbamylase deficiency. JIMD Rep. 2022 Apr 12;63(4):271-275. PMID: 35822098. Jang Y et al. Disease-causing mutations in the promoter and enhancer of the ornithine transcarbamylase gene. Hum Mutat. 2018 Apr;39(4):527-536. PMID: 29282796. Luksan O et al. HNF-4alpha regulates expression of human ornithin carbamoyltransferase through interaction with two positive cis-acting regulatory elements located in the proximal promoter. Folia Biol (Praha). 2014;60(3):133-43. PMID: 25056436.

Elsea Laboratory, Baylor College of Medicine
Classification: Pathogenic for Ornithine carbamoyltransferase deficiency. Last evaluated: 2024-05-13. Review status: criteria provided, single submitter. Criteria: ACMG Guidelines, 2015. Collection method: literature only. Allele origin: germline. Not counted in ClinVar's aggregate classification.
Comment: The c.-106C>A variant in the OTC gene is located in the 5'UTR. This variant has been observed in multiple individuals with late-onset ornithine transcarbamylase deficiency (PMID: 29282796, 35605046, 35822098). This variant has been reported as a common ancestral allele in a large Utahn kinship (PMID: 35605046). This variant is rare in the gnomAD population database. This variant is located immediately adjacent to the HNF4 transcription factor binding site and functional studies have shown that this variant affects HNF4 binding. In HepG2 cells transfected with c.-106C>A plasmid, the relative lucierase actiivty was lower as compared to wild typer promoter sequence containing plasmid. Therefore, the c.-106C>A variant in OTC gene is classified as pathogenic for late-onset OTC deficiency. ACMG variant classification evidence codes: PS4+PS3+PP4+PP1

Blueprint Genetics
Classification: Pathogenic for OTC-related disorders. Last evaluated: 2024-01-17. Review status: criteria provided, single submitter. Criteria: ACMG Guidelines, 2015. Collection method: clinical testing. Allele origin: germline. Affected: yes. Observed: 1 variant allele. Not counted in ClinVar's aggregate classification.

Caldovic Lab, Children's National Health System
Classification: Likely pathogenic for Ornithine carbamoyltransferase deficiency. Last evaluated: 2017-12-12. Review status: no assertion criteria provided. Collection method: research. Allele origin: unknown, not applicable. Inheritance: X-linked recessive inheritance. Affected: yes. Observed: 3 variant alleles, 3 hemizygotes. Functional consequence: decreased transcript level variant. Not counted in ClinVar's aggregate classification.
Comment: Functional testing in cultured cells indicates reduced expression of reporter gene.

Literature cited by the submitters: PubMed 35605046 (cited by 3 submitters); PubMed 29282796 (cited by 4 submitters); PubMed 41550690 (cited by Women's Health and Genetics/Laboratory Corporation of America, LabCorp); PubMed 35822098 (cited by Elsea Laboratory, Baylor College of Medicine).

NM_000531.6(OTC):c.-106C>A

Gene: OTC (ornithine transcarbamylase; plus strand). Cytogenetic location: Xp11.4.
Variant type: single nucleotide variant.
Coding change: c.-106C>A on transcript NM_000531.6 (MANE Select); 106 bases upstream of the start codon, C replaced by A.
Molecular consequence: genic upstream transcript variant. On other transcripts: intron variant (1).
Genome position (GRCh38, 1-based): chrX:38,352,591, C>A. VCF-style: chrX-38352591-C-A. GRCh37 (hg19) VCF-style: chrX-38211844-C-A.
Other names: NC_000023.11:g.38352591C>A; c.-79-27C>A (NM_001407092.1).
Identifiers: ClinVar variation 487338 (VCV000487338.23), dbSNP rs749748052, ClinGen allele CA327916723.